The following is an entry in ClinVar:

ClinVar aggregate classification (germline): conflicting data from submitters (0 of 4 stars; one submission).

Submission:

ISCA site 1
Classification: conflicting data from submitters. Last evaluated: 2012-07-02. Review status: no assertion criteria provided. Collection method: clinical testing. Allele origin: maternal. Affected: yes. Observed: 2 variant alleles.
Comment: Uncertain significance(1), Likely benign (1)

Copy number variation identified through the course of routine clinical cytogenomic testing in postnatal populations, with clinical assertions as classified by the original submitter. For data from the original published study, Kaminsky, et al. 2011 (PubMed 21844811), please see nstd101.

GRCh38/hg38 2q31.1(chr2:173713838-175467462)x3

Genes: ATF2 (activating transcription factor 2; minus strand), ATP5MC3 (ATP synthase membrane subunit c locus 3; minus strand), CHN1 (chimerin 1; minus strand), CHRNA1 (cholinergic receptor nicotinic alpha 1 subunit; minus strand), CIRSR (corepressor of RBPJ and splicing regulator; minus strand) and 64 more. Cytogenetic location: 2q31.1.
Variant type: copy number gain.
Change: copy number 3 (three copies instead of two) of chr2:173,713,838-175,467,462 (1.75 Mb, GRCh38 coordinates, 1-based), cytogenetic band 2q31.1.
Identifiers: ClinVar variation 149687 (VCV000149687.3).